The following is an entry in ClinVar:

ClinVar aggregate classification (germline): Pathogenic (1 of 4 stars; one submission).

Conditions:
Ehlers-Danlos syndrome due to tenascin-X deficiency (EDSCLL1). Also called: Ehlers-Danlos syndrome, classic-like, 1; EHLERS-DANLOS SYNDROME, CLASSIC-LIKE; TNXB-Related Classical-Like Ehlers-Danlos Syndrome; EDS DUE TO TNX DEFICIENCY; TNX DEFICIENCY. Identifiers: Orphanet 230839, MedGen C1848029, MONDO:0011670, OMIM 606408.

Submission:

Myriad Genetics, Inc.
Classification: Pathogenic for Ehlers-Danlos syndrome due to tenascin-X deficiency. Last evaluated: 2024-08-23. Review status: criteria provided, single submitter. Criteria: Myriad Autosomal Dominant, Autosomal Recessive and X-Linked Classification Criteria (2023). Collection method: clinical testing. Allele origin: unknown.
Comment: NM_019105.6(TNXB):c.10507G>T(E3503*) is expected to be pathogenic in the context of classical-like Ehlers-Danlos syndrome, TNXB-related. This variant is predicted to lead to an abnormal or absent protein product due to the creation of a premature termination codon in TNXB, a gene where loss-of-function variants are known to be pathogenic. Please note: this variant was assessed in the context of healthy population screening.

NM_001365276.2(TNXB):c.10513G>T (p.Glu3505Ter)

Gene: TNXB (tenascin XB; minus strand). Cytogenetic location: 6p21.33.
Variant type: single nucleotide variant.
Coding change: c.10513G>T on transcript NM_001365276.2 (MANE Select); coding-DNA position 10513, G replaced by T.
Protein change: p.Glu3505Ter; replaces glutamic acid 3505 with a stop codon.
Molecular consequence: nonsense.
Genome position (GRCh38, 1-based): chr6:32,046,268, C>A on the plus strand (G>T on the coding strand, the complement: TNXB is on the minus strand). VCF-style: chr6-32046268-C-A. GRCh37 (hg19) VCF-style: chr6-32014045-C-A.
Other names: c.11254G>T, p.Glu3752Ter (NM_001428335.1); c.10507G>T, p.Glu3503Ter (NM_019105.8); short protein forms E3503*, E3505*, E3752*.
Identifiers: ClinVar variation 5013483 (VCV005013483.1).